The following is an entry in ClinVar:

ClinVar aggregate classification (germline): Uncertain significance. Review status: criteria provided, multiple submitters, no conflicts (2 of 4 stars). 3 submissions from 3 submitters: Uncertain significance (3). Last evaluated 2025-03-12.

Conditions:
Inborn genetic diseases. Identifiers: MedGen C0950123, MeSH D030342.

Allele frequency attached by ClinVar (database versions not stated): gnomAD exomes below 0.00001; TOPMed below 0.00001.
gnomAD v4.1: 7 of 1,614,160 alleles (0.00043%); highest among the groups gnomAD compares: Admixed American, 0.005%; no homozygotes.

Submissions (3):

GeneDx
Classification: Uncertain significance. Last evaluated: 2025-03-12. Review status: criteria provided, single submitter. Criteria: GeneDx Variant Classification Process June 2021. Collection method: clinical testing. Allele origin: germline. Affected: yes.
Comment: Not observed at significant frequency in large population cohorts (gnomAD); In silico analysis supports that this missense variant has a deleterious effect on protein structure/function; Has not been previously published as pathogenic or benign to our knowledge

Labcorp Genetics (formerly Invitae), Labcorp
Classification: Uncertain significance. Last evaluated: 2024-01-04. Review status: criteria provided, single submitter. Criteria: Invitae Variant Classification Sherloc (09022015). Collection method: clinical testing. Allele origin: germline.
Comment: This sequence change replaces arginine, which is basic and polar, with tryptophan, which is neutral and slightly polar, at codon 352 of the MYO1E protein (p.Arg352Trp). This variant is present in population databases (no rsID available, gnomAD 0.003%). This variant has not been reported in the literature in individuals affected with MYO1E-related conditions. ClinVar contains an entry for this variant (Variation ID: 521507). Advanced modeling of protein sequence and biophysical properties (such as structural, functional, and spatial information, amino acid conservation, physicochemical variation, residue mobility, and thermodynamic stability) performed at Invitae indicates that this missense variant is expected to disrupt MYO1E protein function with a positive predictive value of 80%. In summary, the available evidence is currently insufficient to determine the role of this variant in disease. Therefore, it has been classified as a Variant of Uncertain Significance.

Ambry Genetics
Classification: Uncertain significance for Inborn genetic diseases. Last evaluated: 2017-01-11. Review status: criteria provided, single submitter. Criteria: Ambry exome assertion method (8-5-2015). Collection method: clinical testing. Allele origin: germline. Affected: yes. Observed: 1 variant allele.

NM_004998.4(MYO1E):c.1054C>T (p.Arg352Trp)

Gene: MYO1E (myosin IE; minus strand). Cytogenetic location: 15q22.2.
Variant type: single nucleotide variant.
Coding change: c.1054C>T on transcript NM_004998.4 (MANE Select); coding-DNA position 1054, C replaced by T.
Protein change: p.Arg352Trp; replaces arginine 352 with tryptophan.
Molecular consequence: missense variant.
Genome position (GRCh38, 1-based): chr15:59,217,944, G>A on the plus strand (C>T on the coding strand, the complement: MYO1E is on the minus strand). VCF-style: chr15-59217944-G-A. GRCh37 (hg19) VCF-style: chr15-59510143-G-A.
Other names: c.1054C>T (NM_004998.3); short protein forms R352W.
Identifiers: ClinVar variation 521507 (VCV000521507.11), dbSNP rs1477519647, ClinGen allele CA392650714.